The following is an entry in ClinVar:

ClinVar aggregate classification (germline): Uncertain significance (1 of 4 stars; one submission).

Conditions:
Inborn genetic diseases. Identifiers: MedGen C0950123, MeSH D030342.

Submission:

Ambry Genetics
Classification: Uncertain significance for Inborn genetic diseases. Last evaluated: 2024-05-18. Review status: criteria provided, single submitter. Criteria: Ambry Variant Classification Scheme 2023. Collection method: clinical testing. Allele origin: germline.
Comment: The p.S1769A variant (also known as c.5305T>G), located in coding exon 36 of the LRRK2 gene, results from a T to G substitution at nucleotide position 5305. The serine at codon 1769 is replaced by alanine, an amino acid with similar properties. This amino acid position is conserved. In addition, this alteration is predicted to be tolerated by in silico analysis. Based on the available evidence, the clinical significance of this variant remains unclear.

NM_198578.4(LRRK2):c.5305T>G (p.Ser1769Ala)

Gene: LRRK2 (leucine rich repeat kinase 2; plus strand). Cytogenetic location: 12q12.
Variant type: single nucleotide variant.
Coding change: c.5305T>G on transcript NM_198578.4 (MANE Select); coding-DNA position 5305, T replaced by G.
Protein change: p.Ser1769Ala; replaces serine 1769 with alanine.
Molecular consequence: missense variant.
Genome position (GRCh38, 1-based): chr12:40,322,169, T>G. VCF-style: chr12-40322169-T-G. GRCh37 (hg19) VCF-style: chr12-40715971-T-G.
Other names: short protein forms S1769A.
Identifiers: ClinVar variation 3291857 (VCV003291857.1).